The following is an entry in ClinVar:

NM_015559.3(SETBP1):c.486+1G>A

Gene: SETBP1 (SET binding protein 1; plus strand). Cytogenetic location: 18q12.3.
Variant type: single nucleotide variant.
Coding change: c.486+1G>A on transcript NM_015559.3 (MANE Select); the canonical splice donor site of the intron after coding-DNA position 486, G replaced by A.
Molecular consequence: splice donor variant.
Genome position (GRCh38, 1-based): chr18:44,701,833, G>A. VCF-style: chr18-44701833-G-A. GRCh37 (hg19) VCF-style: chr18-42281798-G-A.
Other names: c.486+1G>A (NM_001379141.1, NM_001130110.2, NM_001410862.1 and 1 more transcripts).
Identifiers: ClinVar variation 2000191 (VCV002000191.4), dbSNP rs2144199518, ClinGen allele CA402482289.

ClinVar aggregate classification (germline): Likely pathogenic (1 of 4 stars; one submission).

Submission:

Labcorp Genetics (formerly Invitae), Labcorp
Classification: Likely pathogenic. Last evaluated: 2022-05-28. Review status: criteria provided, single submitter. Criteria: Invitae Variant Classification Sherloc (09022015). Collection method: clinical testing. Allele origin: germline.
Comment: This sequence change affects a donor splice site in intron 2 of the SETBP1 gene. It is expected to disrupt RNA splicing. Variants that disrupt the donor or acceptor splice site typically lead to a loss of protein function (PMID: 16199547), and loss-of-function variants in SETBP1 are known to be pathogenic (PMID: 21037274, 25217958). This variant is not present in population databases (gnomAD no frequency). This variant has not been reported in the literature in individuals affected with SETBP1-related conditions. Algorithms developed to predict the effect of sequence changes on RNA splicing suggest that this variant may disrupt the consensus splice site. In summary, the currently available evidence indicates that the variant is pathogenic, but additional data are needed to prove that conclusively. Therefore, this variant has been classified as Likely Pathogenic.

Literature cited by the submitters: PubMed 16199547; PubMed 21037274; PubMed 25217958.